The following is an entry in ClinVar:

ClinVar aggregate classification (germline): Uncertain significance. Review status: criteria provided, multiple submitters, no conflicts (2 of 4 stars). 2 submissions from 2 submitters: Uncertain significance (2). Last evaluated 2024-06-19.

Conditions:
Cardiovascular phenotype. Identifiers: MedGen CN230736.

gnomAD v4.1: 4 of 1,613,524 alleles (0.00025%); highest among the groups gnomAD compares: Admixed American, 0.0033%; no homozygotes.

Submissions (2):

Labcorp Genetics (formerly Invitae), Labcorp
Classification: Uncertain significance. Last evaluated: 2024-06-19. Review status: criteria provided, single submitter. Criteria: Invitae Variant Classification Sherloc (09022015). Collection method: clinical testing. Allele origin: germline.
Comment: This sequence change replaces arginine, which is basic and polar, with glutamine, which is neutral and polar, at codon 281 of the LOX protein (p.Arg281Gln). The frequency data for this variant in the population databases is considered unreliable, as metrics indicate poor data quality at this position in the gnomAD database. This variant has not been reported in the literature in individuals affected with LOX-related conditions. Advanced modeling of protein sequence and biophysical properties (such as structural, functional, and spatial information, amino acid conservation, physicochemical variation, residue mobility, and thermodynamic stability) has been performed at Invitae for this missense variant, however the output from this modeling did not meet the statistical confidence thresholds required to predict the impact of this variant on LOX protein function. In summary, the available evidence is currently insufficient to determine the role of this variant in disease. Therefore, it has been classified as a Variant of Uncertain Significance.

Ambry Genetics
Classification: Uncertain significance for Cardiovascular phenotype. Last evaluated: 2024-06-09. Review status: criteria provided, single submitter. Criteria: Ambry Variant Classification Scheme 2023. Collection method: clinical testing. Allele origin: germline.
Comment: The p.R281Q variant (also known as c.842G>A), located in coding exon 3 of the LOX gene, results from a G to A substitution at nucleotide position 842. The arginine at codon 281 is replaced by glutamine, an amino acid with highly similar properties. This amino acid position is conserved. In addition, the in silico prediction for this alteration is inconclusive. Based on the available evidence, the clinical significance of this variant remains unclear.

NM_002317.7(LOX):c.842G>A (p.Arg281Gln)

Genes: LOX (lysyl oxidase; minus strand), SRFBP1 (serum response factor binding protein 1; plus strand). Cytogenetic location: 5q23.1.
Variant type: single nucleotide variant.
Coding change: c.842G>A on transcript NM_002317.7 (MANE Select); coding-DNA position 842, G replaced by A.
Protein change: p.Arg281Gln; replaces arginine 281 with glutamine.
Molecular consequence: missense variant. On other transcripts: 5 prime UTR variant (1).
Genome position (GRCh38, 1-based): chr5:122,075,440, C>T on the plus strand (G>A on the coding strand, the complement: LOX is on the minus strand). VCF-style: chr5-122075440-C-T. GRCh37 (hg19) VCF-style: chr5-121411135-C-T.
Other names: c.152G>A, p.Arg51Gln (NM_001178102.2); c.-50G>A (NM_001317073.1); short protein forms R281Q, R51Q.
Identifiers: ClinVar variation 3291079 (VCV003291079.3).